The following is an entry in ClinVar:

ClinVar aggregate classification (germline): Uncertain significance (1 of 4 stars; one submission).

Conditions:
Congenital glaucoma. Identifiers: MedGen C0020302, MONDO:0020366.

Allele frequency attached by ClinVar (database versions not stated): TOPMed 0.00002.
gnomAD v4.1: 3 of 1,613,228 alleles (0.00019%); highest among the groups gnomAD compares: Admixed American, 0.0033%; no homozygotes.

Submission:

Labcorp Genetics (formerly Invitae), Labcorp
Classification: Uncertain significance for Congenital glaucoma. Last evaluated: 2022-08-21. Review status: criteria provided, single submitter. Criteria: Invitae Variant Classification Sherloc (09022015). Collection method: clinical testing. Allele origin: germline.
Comment: This sequence change replaces asparagine, which is neutral and polar, with serine, which is neutral and polar, at codon 377 of the CYP1B1 protein (p.Asn377Ser). This variant is present in population databases (no rsID available, gnomAD 0.003%). This variant has not been reported in the literature in individuals affected with CYP1B1-related conditions. Advanced modeling of protein sequence and biophysical properties (such as structural, functional, and spatial information, amino acid conservation, physicochemical variation, residue mobility, and thermodynamic stability) performed at Invitae indicates that this missense variant is not expected to disrupt CYP1B1 protein function. In summary, the available evidence is currently insufficient to determine the role of this variant in disease. Therefore, it has been classified as a Variant of Uncertain Significance.

NM_000104.4(CYP1B1):c.1130A>G (p.Asn377Ser)

Gene: CYP1B1 (cytochrome P450 family 1 subfamily B member 1; minus strand). Cytogenetic location: 2p22.2.
Variant type: single nucleotide variant.
Coding change: c.1130A>G on transcript NM_000104.4 (MANE Select); coding-DNA position 1130, A replaced by G.
Protein change: p.Asn377Ser; replaces asparagine 377 with serine.
Molecular consequence: missense variant.
Genome position (GRCh38, 1-based): chr2:38,071,224, T>C on the plus strand (A>G on the coding strand, the complement: CYP1B1 is on the minus strand). VCF-style: chr2-38071224-T-C. GRCh37 (hg19) VCF-style: chr2-38298367-T-C.
Other names: short protein forms N377S.
Identifiers: ClinVar variation 2079446 (VCV002079446.1), dbSNP rs1227129956, ClinGen allele CA346327794.